The following is an entry in ClinVar:

ClinVar aggregate classification (germline): Uncertain significance. Review status: criteria provided, multiple submitters, no conflicts (2 of 4 stars). 2 submissions from 2 submitters: Uncertain significance (2). Last evaluated 2024-11-14.

Conditions:
Wilms tumor 1 (WT1). Also called: Wilms tumor, somatic. Identifiers: Orphanet 654, MedGen CN033288, MONDO:0008679, OMIM 194070.
Inborn genetic diseases. Identifiers: MedGen C0950123, MeSH D030342.

Allele frequency attached by ClinVar (database versions not stated): gnomAD 0.00001.
gnomAD v4.1: 1 of 1,208,059 alleles (0.000083%); highest among the groups gnomAD compares: Admixed American, 0.0022%; no homozygotes.

Submissions (2):

Ambry Genetics
Classification: Uncertain significance for Inborn genetic diseases. Last evaluated: 2024-11-14. Review status: criteria provided, single submitter. Criteria: Ambry Variant Classification Scheme 2023. Collection method: clinical testing. Allele origin: germline.

Labcorp Genetics (formerly Invitae), Labcorp
Classification: Uncertain significance for Wilms tumor 1. Last evaluated: 2022-09-15. Review status: criteria provided, single submitter. Criteria: Invitae Variant Classification Sherloc (09022015). Collection method: clinical testing. Allele origin: germline.
Comment: This variant has not been reported in the literature in individuals affected with GPC3-related conditions. This sequence change replaces isoleucine, which is neutral and non-polar, with threonine, which is neutral and polar, at codon 514 of the GPC3 protein (p.Ile514Thr). This variant is not present in population databases (gnomAD no frequency). Algorithms developed to predict the effect of missense changes on protein structure and function output the following: SIFT: "Tolerated"; PolyPhen-2: "Benign"; Align-GVGD: "Class C0". The threonine amino acid residue is found in multiple mammalian species, which suggests that this missense change does not adversely affect protein function. In summary, the available evidence is currently insufficient to determine the role of this variant in disease. Therefore, it has been classified as a Variant of Uncertain Significance.

NM_004484.4(GPC3):c.1541T>C (p.Ile514Thr)

Gene: GPC3 (glypican 3; minus strand). Cytogenetic location: Xq26.2.
Variant type: single nucleotide variant.
Coding change: c.1541T>C on transcript NM_004484.4 (MANE Select); coding-DNA position 1541, T replaced by C.
Protein change: p.Ile514Thr; replaces isoleucine 514 with threonine.
Molecular consequence: missense variant.
Genome position (GRCh38, 1-based): chrX:133,596,472, A>G on the plus strand (T>C on the coding strand, the complement: GPC3 is on the minus strand). VCF-style: chrX-133596472-A-G. GRCh37 (hg19) VCF-style: chrX-132730500-A-G.
Other names: c.1610T>C, p.Ile537Thr (NM_001164617.2); c.1493T>C, p.Ile498Thr (NM_001164618.2); c.1379T>C, p.Ile460Thr (NM_001164619.2); short protein forms I498T, I514T, I460T, I537T.
Identifiers: ClinVar variation 1949908 (VCV001949908.6), dbSNP rs2069916233, ClinGen allele CA414700839.
Genomic context (GRCh38, chrX:133,596,472, plus strand): 5'-TACATTTGGGTCAGCACTAATCAGTTACCTGCAAGGAAGCGGAGCTGATTCTTCACTTTT[A>G]TCATTCCATCACCAGAGCCTCCAATGCACTCATCTTCATCATCACCGCAGTCTCCACTTT-3'
Protein context (NP_004475.1, residues 504-524): ECIGGSGDGM[Ile514Thr]KVKNQLRFLA